The following is an entry in ClinVar:

NM_016284.5(CNOT1):c.4434+194_4434+195del

Gene: CNOT1 (CCR4-NOT transcription complex subunit 1; minus strand). Cytogenetic location: 16q21.
Variant type: Deletion.
Coding change: c.4434+194_4434+195del on transcript NM_016284.5 (MANE Select); bases 194 to 195 of the intron after coding-DNA position 4434, 2 bases deleted (TT; older notation c.4434+194_4434+195delTT).
Molecular consequence: intron variant. On other transcripts: frameshift variant (1).
Genome position (GRCh38, 1-based): chr16:58,543,412-58,543,413, AA deleted on the plus strand (TT on the coding strand, the reverse complement: CNOT1 is on the minus strand); deleting any 2 consecutive bases within chr16:58,543,412-58,543,424 gives the same sequence; the c. name uses the placement nearest the transcript's 3' end. VCF-style (leftmost placement, unchanged base first): chr16-58543411-GAA-G. GRCh37 (hg19) VCF-style: chr16-58577315-GAA-G.
Other names: c.4628_4629del, p.Phe1543fs (NM_206999.3); c.4419+194_4419+195del (NM_001265612.2); c.4628_4629delTT (NM_206999.2); short protein forms F1543fs.
Identifiers: ClinVar variation 2646576 (VCV002646576.26), dbSNP rs5817153, ClinGen allele CA8089138.
Genomic context (GRCh38, chr16:58,543,411, plus strand): 5'-TTAAACCAACAAATATTTGGGTATCTACTATCTGTCAAACATCGTGTTGAGAATATAACA[GAA>G]AAAAAAAAAAACACACAGACATGATGCTTTGCCTCACAGAATTACAATCTAAAATGATGG-3'

ClinVar aggregate classification (germline): Conflicting classifications of pathogenicity. Review status: criteria provided, conflicting classifications (1 of 4 stars). 3 submissions from 3 submitters: Uncertain significance (1); Benign (1). 1 of the submissions does not count toward it. Last evaluated 2022-07-01.

Conditions:
Holoprosencephaly 12 with or without pancreatic agenesis. Identifiers: MedGen C5193131, MONDO:0032787, OMIM 618500.
CNOT1-related disorder. Also called: CNOT1-related condition.

Submissions (3):

CeGaT Center for Human Genetics Tuebingen
Classification: Benign. Last evaluated: 2022-07-01. Review status: criteria provided, single submitter. Criteria: CeGaT Center For Human Genetics Tuebingen Variant Classification Criteria Version 2. Collection method: clinical testing. Allele origin: germline. Affected: yes. Observed: 2 variant alleles.
Comment: CNOT1: BS1, BS2

Department of Pathology and Laboratory Medicine, Sinai Health System
Classification: Uncertain significance for holoprosencephaly 12 with or without pancreatic agenesis. Last evaluated: 2022-04-05. Review status: criteria provided, single submitter. Criteria: ACMG Guidelines, 2015. Collection method: research. Allele origin: germline.

PreventionGenetics, part of Exact Sciences
Classification: Likely benign for CNOT1-related condition. Last evaluated: 2020-07-28. Review status: no assertion criteria provided. Collection method: clinical testing. Allele origin: germline. Not counted in ClinVar's aggregate classification.
Comment: This variant is classified as likely benign based on ACMG/AMP sequence variant interpretation guidelines (Richards et al. 2015 PMID: 25741868, with internal and published modifications).